The following is an entry in ClinVar:

NM_003242.6(TGFBR2):c.*149A>T

Gene: TGFBR2 (transforming growth factor beta receptor 2; plus strand). Cytogenetic location: 3p24.1.
Variant type: single nucleotide variant.
Coding change: c.*149A>T on transcript NM_003242.6 (MANE Select); 149 bases downstream of the stop codon, A replaced by T.
Molecular consequence: 3 prime UTR variant.
Genome position (GRCh38, 1-based): chr3:30,691,748, A>T. VCF-style: chr3-30691748-A-T. GRCh37 (hg19) VCF-style: chr3-30733240-A-T.
Other names: c.*149A>T (NM_001024847.3, NM_001407126.1, NM_001407127.1 and 11 more transcripts).
Identifiers: ClinVar variation 344667 (VCV000344667.10), dbSNP rs143024112, ClinGen allele CA10618023.
Genomic context (GRCh38, chr3:30,691,748, plus strand): 5'-CTTCCTGGAAAACCAAGGGGGTCACTCCCCTCCCTGTAAGCTGTGGGGATAAGCAGAAAC[A>T]ACAGCAGCAGGGAGTGGGTGACATAGAGCATTCTATGCCTTTGACATTGTCATAGGATAA-3'

ClinVar aggregate classification (germline): Likely benign. Review status: criteria provided, multiple submitters, no conflicts (2 of 4 stars). 3 submissions from 3 submitters: Likely benign (3). Last evaluated 2018-06-19.

Conditions:
Loeys-Dietz syndrome 2 (LDS2). Also called: TGFBR2-Related Loeys-Dietz Syndrome; AORTIC ANEURYSM, FAMILIAL THORACIC 3; MARFAN SYNDROME, TYPE II; Marfan Syndrome type 2; Marfan like connective tissue disorder; MFS 2. Identifiers: Orphanet 284973, Orphanet 558, MedGen C2674574, MONDO:0012427, OMIM 610168.

Allele frequency attached by ClinVar (database versions not stated): gnomAD exomes 0.00096; 1000 Genomes Project 0.00260; 1000 Genomes Project 30x 0.00265; gnomAD 0.00398 and 0.00415; TOPMed 0.00463.
gnomAD v4.1: 1,278 of 827,622 alleles (0.15%); highest among the groups gnomAD compares: African/African-American, 1.2%; 3 homozygotes.

Submissions (3):

GeneDx
Classification: Likely benign. Last evaluated: 2018-06-19. Review status: criteria provided, single submitter. Criteria: GeneDx Variant Classification Process June 2021. Collection method: clinical testing. Allele origin: germline. Affected: yes.

Illumina Laboratory Services, Illumina
Classification: Likely benign for Loeys-Dietz syndrome 2. Last evaluated: 2018-05-22. Review status: criteria provided, single submitter. Criteria: ICSL Variant Classification Criteria 13 December 2019. Collection method: clinical testing. Allele origin: germline.
Comment: This variant was observed as part of a predisposition screen in an ostensibly healthy population. A literature search was performed for the gene, cDNA change, and amino acid change (where applicable). No publications were found based on this search. Allele frequency data from public databases allowed determination this variant is unlikely to cause disease. Therefore, this variant is classified as likely benign.

Breakthrough Genomics
Classification: Likely benign. Review status: criteria provided, single submitter. Criteria: ACMG Guidelines, 2015. Collection method: not provided. Allele origin: germline. Inheritance: Autosomal dominant inheritance. Affected: yes.